The following is an entry in ClinVar:

NM_032043.3(BRIP1):c.2761T>C (p.Tyr921His)

Gene: BRIP1 (BRCA1 interacting DNA helicase 1; minus strand). Cytogenetic location: 17q23.2.
Variant type: single nucleotide variant.
Coding change: c.2761T>C on transcript NM_032043.3 (MANE Select); coding-DNA position 2761, T replaced by C.
Protein change: p.Tyr921His; replaces tyrosine 921 with histidine.
Molecular consequence: missense variant.
Genome position (GRCh38, 1-based): chr17:61,685,980, A>G on the plus strand (T>C on the coding strand, the complement: BRIP1 is on the minus strand). VCF-style: chr17-61685980-A-G. GRCh37 (hg19) VCF-style: chr17-59763341-A-G.
Other names: short protein forms Y921H.
Identifiers: ClinVar variation 3755902 (VCV003755902.2).
Genomic context (GRCh38, chr17:61,685,980, plus strand): 5'-TCTTTGCTTCATCTTCCACAAAATTTTCTGGTGATAGATGACTTGCTGCTTCCAGTAAAT[A>G]AGGTGAGGTACTGTACTTTAAAGAGGTCACTTCAAGTGTAGACTCATTGTCCTGTATATT-3'
Protein context (NP_114432.2, residues 911-931): VTSLKYSTSP[Tyr921His]LLEAASHLSP

ClinVar aggregate classification (germline): Uncertain significance (1 of 4 stars; one submission).

Conditions:
Fanconi anemia complementation group J. Also called: BRIP1-Related Fanconi Anemia. Identifiers: Orphanet 84, MedGen C1836860, MONDO:0012187, OMIM 609054.
Familial cancer of breast. Also called: BREAST CANCER, FAMILIAL; Hereditary breast cancer; hereditary breast carcinoma. Identifiers: Orphanet 227535, MedGen C0346153, MONDO:0016419, OMIM 114480. Disease mechanism: loss of function.

Submission:

Labcorp Genetics (formerly Invitae), Labcorp
Classification: Uncertain significance for Familial cancer of breast; Fanconi anemia complementation group J. Last evaluated: 2024-04-17. Review status: criteria provided, single submitter. Criteria: Invitae Variant Classification Sherloc (09022015). Collection method: clinical testing. Allele origin: germline.
Comment: This sequence change replaces tyrosine, which is neutral and polar, with histidine, which is basic and polar, at codon 921 of the BRIP1 protein (p.Tyr921His). This variant is not present in population databases (gnomAD no frequency). This variant has not been reported in the literature in individuals affected with BRIP1-related conditions. Advanced modeling of protein sequence and biophysical properties (such as structural, functional, and spatial information, amino acid conservation, physicochemical variation, residue mobility, and thermodynamic stability) performed at Invitae indicates that this missense variant is not expected to disrupt BRIP1 protein function with a negative predictive value of 80%. In summary, the available evidence is currently insufficient to determine the role of this variant in disease. Therefore, it has been classified as a Variant of Uncertain Significance.